The following is an entry in ClinVar:

NM_000489.6(ATRX):c.1633C>G (p.Gln545Glu)

Gene: ATRX (ATRX chromatin remodeler; minus strand). Cytogenetic location: Xq21.1.
Variant type: single nucleotide variant.
Coding change: c.1633C>G on transcript NM_000489.6 (MANE Select); coding-DNA position 1633, C replaced by G.
Protein change: p.Gln545Glu; replaces glutamine 545 with glutamic acid.
Molecular consequence: missense variant.
Genome position (GRCh38, 1-based): chrX:77,683,623, G>C on the plus strand (C>G on the coding strand, the complement: ATRX is on the minus strand). VCF-style: chrX-77683623-G-C. GRCh37 (hg19) VCF-style: chrX-76939115-G-C.
Other names: c.1519C>G, p.Gln507Glu (NM_138270.5); short protein forms Q545E, Q507E.
Identifiers: ClinVar variation 93132 (VCV000093132.33), dbSNP rs35738915, ClinGen allele CA146679.

ClinVar aggregate classification (germline): Benign/Likely benign. Review status: criteria provided, multiple submitters, no conflicts (2 of 4 stars). 11 submissions from 11 submitters: Benign (6); Likely benign (1). 4 of the submissions do not count toward it. Last evaluated 2026-01-28.

Conditions:
Inborn genetic diseases. Identifiers: MedGen C0950123, MeSH D030342.
Alpha thalassemia-X-linked intellectual disability syndrome (ATRX). Also called: ALPHA-THALASSEMIA/MENTAL RETARDATION SYNDROME, X-LINKED; ATR-X syndrome; Alpha thalassemia mental retardation syndrome, nondeletion type, X-linked; XLMR hypotonic face syndrome; ATR, NONDELETION TYPE; X-linked alpha-thalassemia-mental retardation syndrome. Identifiers: Orphanet 847, MedGen C1845055, MONDO:0010519, OMIM 301040.

Allele frequency attached by ClinVar (database versions not stated): gnomAD exomes 0.00065 and 0.00161; ExAC 0.00195; gnomAD 0.00596 and 0.00636; ESP Exome Variant Server 0.00635; 1000 Genomes Project 0.00662; TOPMed 0.00721; 1000 Genomes Project 30x 0.00728.
gnomAD v4.1: 1,391 of 1,209,806 alleles (0.11%); highest among the groups gnomAD compares: African/African-American, 2.2%; 14 homozygotes.

Submissions (11):

Labcorp Genetics (formerly Invitae), Labcorp
Classification: Benign for Alpha thalassemia-X-linked intellectual disability syndrome. Last evaluated: 2026-01-28. Review status: criteria provided, single submitter. Criteria: Invitae Variant Classification Sherloc (09022015). Collection method: clinical testing. Allele origin: germline.

Blueprint Genetics
Classification: Likely benign. Last evaluated: 2024-10-16. Review status: criteria provided, single submitter. Criteria: ACMG Guidelines, 2015. Collection method: clinical testing. Allele origin: germline.

Mayo Clinic Laboratories, Mayo Clinic
Classification: Benign. Last evaluated: 2019-06-27. Review status: criteria provided, single submitter. Criteria: ACMG Guidelines, 2015. Collection method: clinical testing. Allele origin: germline. Observed: 3 variant alleles.

GeneDx
Classification: Benign. Last evaluated: 2018-08-21. Review status: criteria provided, single submitter. Criteria: GeneDx Variant Classification Process June 2021. Collection method: clinical testing. Allele origin: germline. Affected: yes.

Ambry Genetics
Classification: Benign for Inborn genetic diseases. Last evaluated: 2017-09-14. Review status: criteria provided, single submitter. Criteria: Ambry Variant Classification Scheme 2023. Collection method: clinical testing. Allele origin: germline.

Genetic Services Laboratory, University of Chicago
Classification: Benign. Last evaluated: 2017-07-07. Review status: criteria provided, single submitter. Criteria: ACMG Guidelines, 2015. Collection method: clinical testing. Allele origin: germline. Affected: no.

Eurofins Ntd Llc (ga)
Classification: Benign. Last evaluated: 2012-09-26. Review status: criteria provided, single submitter. Criteria: EGL Classification Definitions 2015. Collection method: clinical testing. Allele origin: germline. Observed: 1 variant allele, 1 hemizygote.

Natera, Inc.
Classification: Benign for X-linked alpha-thalassemia-mental retardation syndrome. Last evaluated: 2020-09-16. Review status: no assertion criteria provided. Collection method: clinical testing. Allele origin: germline. Not counted in ClinVar's aggregate classification.

ITMI
No classification provided. Condition: AllHighlyPenetrant. Last evaluated: 2013-09-19. Review status: no classification provided. Collection method: reference population. Allele origin: germline. Not counted in ClinVar's aggregate classification.
Comment: Please see associated publication for description of ethnicities

Genome Diagnostics Laboratory, University Medical Center Utrecht
Classification: Likely benign. Review status: no assertion criteria provided. Collection method: clinical testing. Allele origin: germline. Affected: yes. Study: VKGL Data-share Consensus. Not counted in ClinVar's aggregate classification.

Laboratory of Diagnostic Genome Analysis, Leiden University Medical Center (LUMC)
Classification: Likely benign. Review status: no assertion criteria provided. Collection method: clinical testing. Allele origin: germline. Affected: yes. Study: VKGL Data-share Consensus. Not counted in ClinVar's aggregate classification.

Literature cited by the submitters: PubMed 24728327 (cited by ITMI).